The following is an entry in ClinVar:

NM_005540.3(INPP5B):c.756A>G (p.Leu252=)

Gene: INPP5B (inositol polyphosphate-5-phosphatase B; minus strand). Cytogenetic location: 1p34.3.
Variant type: single nucleotide variant.
Coding change: c.756A>G on transcript NM_005540.3 (MANE Select); coding-DNA position 756, A replaced by G.
Protein change: p.Leu252=; no amino-acid change (leucine 252 retained).
Molecular consequence: synonymous variant. On other transcripts: non-coding transcript variant (4).
Genome position (GRCh38, 1-based): chr1:37,889,598, T>C on the plus strand (A>G on the coding strand, the complement: INPP5B is on the minus strand). VCF-style: chr1-37889598-T-C. GRCh37 (hg19) VCF-style: chr1-38355270-T-C.
Other names: c.264A>G, p.Leu88= (NM_001297434.2); c.96A>G, p.Leu32= (NM_001350227.2, NM_001350228.1); c.756A>G, p.Leu252= (NM_001365820.1); c.750A>G, p.Leu250= (NM_001365821.1); c.690A>G, p.Leu230= (NM_001365822.1); c.561A>G, p.Leu187= (NM_001365823.1, NM_001365824.1); c.399A>G, p.Leu133= (NM_001365825.1).
Identifiers: ClinVar variation 3045072 (VCV003045072.2), dbSNP rs751225260, ClinGen allele CA776108.

ClinVar aggregate classification (germline): Likely benign (0 of 4 stars; one submission).

Conditions:
INPP5B-related disorder. Also called: INPP5B-related condition.

Allele frequency attached by ClinVar (database versions not stated): gnomAD exomes 0.00001; ExAC 0.00002; gnomAD 0.00009; TOPMed 0.00009.
gnomAD v4.1: 37 of 1,613,918 alleles (0.0023%); highest among the groups gnomAD compares: African/African-American, 0.027%; no homozygotes.

Submission:

PreventionGenetics, part of Exact Sciences
Classification: Likely benign for INPP5B-related condition. Last evaluated: 2019-10-21. Review status: no assertion criteria provided. Collection method: clinical testing. Allele origin: germline.
Comment: This variant is classified as likely benign based on ACMG/AMP sequence variant interpretation guidelines (Richards et al. 2015 PMID: 25741868, with internal and published modifications).